The following is an entry in ClinVar:

NM_005068.3(SIM1):c.45G>T (p.Lys15Asn)

Gene: SIM1 (SIM bHLH transcription factor 1; minus strand). Cytogenetic location: 6q16.3.
Variant type: single nucleotide variant.
Coding change: c.45G>T on transcript NM_005068.3 (MANE Select); coding-DNA position 45, G replaced by T.
Protein change: p.Lys15Asn; replaces lysine 15 with asparagine.
Molecular consequence: missense variant.
Genome position (GRCh38, 1-based): chr6:100,463,424, C>A on the plus strand (G>T on the coding strand, the complement: SIM1 is on the minus strand). VCF-style: chr6-100463424-C-A. GRCh37 (hg19) VCF-style: chr6-100911300-C-A.
Other names: c.45G>T, p.Lys15Asn (NM_001374769.1); short protein forms K15N.
Identifiers: ClinVar variation 3047010 (VCV003047010.3), dbSNP rs1420952151, ClinGen allele CA365130823.

ClinVar aggregate classification (germline): Uncertain significance (1 of 4 stars; one submission).

Conditions:
SIM1-related disorder. Also called: SIM1-related condition; SIM1-related disorders.

Allele frequency attached by ClinVar (database versions not stated): gnomAD 0.00001; TOPMed 0.00001.
gnomAD v4.1: 2 of 1,613,750 alleles (0.00012%); highest among the groups gnomAD compares: Non-Finnish European, 0.00017%; no homozygotes.

Submission:

PreventionGenetics, part of Exact Sciences
Classification: Uncertain significance for SIM1-related condition. Last evaluated: 2026-08-24. Review status: criteria provided, single submitter. Criteria: ACMG Guidelines, 2015. Collection method: clinical testing. Allele origin: germline.
Comment: The SIM1 c.45G>T variant is predicted to result in the amino acid substitution p.Lys15Asn. To our knowledge, this variant has not been reported in the literature or in gnomAD, indicating this variant is rare. At this time, the clinical significance of this variant is uncertain due to the absence of conclusive functional and genetic evidence.